The following is an entry in ClinVar:

NM_213653.4(HJV):c.682C>A (p.Gln228Lys)

Gene: HJV (hemojuvelin BMP co-receptor; minus strand). Cytogenetic location: 1q21.1.
Variant type: single nucleotide variant.
Coding change: c.682C>A on transcript NM_213653.4 (MANE Select); coding-DNA position 682, C replaced by A.
Protein change: p.Gln228Lys; replaces glutamine 228 with lysine.
Molecular consequence: missense variant.
Genome position (GRCh38, 1-based): chr1:146,018,676, G>T on the plus strand (C>A on the coding strand, the complement: HJV is on the minus strand). VCF-style: chr1-146018676-G-T. GRCh37 (hg19) VCF-style: chr1-145416337-C-A.
Other names: c.4C>A, p.Gln2Lys (NM_001316767.2, NM_202004.4, NM_213652.4); c.682C>A, p.Gln228Lys (NM_001379352.1); c.343C>A, p.Gln115Lys (NM_145277.5); short protein forms Q228K, Q2K, Q115K.
Identifiers: ClinVar variation 695958 (VCV000695958.12), dbSNP rs146027304, ClinGen allele CA1053883.

ClinVar aggregate classification (germline): Likely benign. Review status: criteria provided, single submitter (1 of 4 stars). 2 submissions from 2 submitters: Likely benign (1). 1 of the submissions does not count toward it. Last evaluated 2026-01-24.

Conditions:
HJV-related disorder. Also called: HJV-related condition.

Allele frequency attached by ClinVar (database versions not stated): gnomAD exomes 0.00013 and 0.00042; ExAC 0.00046; gnomAD 0.00139 and 0.00144; ESP Exome Variant Server 0.00177; TOPMed 0.00195; 1000 Genomes Project 30x 0.00312; 1000 Genomes Project 0.00319.
gnomAD v4.1: 410 of 1,614,136 alleles (0.025%); highest among the groups gnomAD compares: African/African-American, 0.5%; 1 homozygote.

Submissions (2):

Labcorp Genetics (formerly Invitae), Labcorp
Classification: Likely benign. Last evaluated: 2026-01-24. Review status: criteria provided, single submitter. Criteria: Invitae Variant Classification Sherloc (09022015). Collection method: clinical testing. Allele origin: germline.

PreventionGenetics, part of Exact Sciences
Classification: Likely benign for HJV-related condition. Last evaluated: 2019-12-05. Review status: no assertion criteria provided. Collection method: clinical testing. Allele origin: germline. Not counted in ClinVar's aggregate classification.
Comment: This variant is classified as likely benign based on ACMG/AMP sequence variant interpretation guidelines (Richards et al. 2015 PMID: 25741868, with internal and published modifications).